The following is an entry in ClinVar:

ClinVar aggregate classification (germline): Uncertain significance (1 of 4 stars; one submission).

Conditions:
Hereditary cancer-predisposing syndrome. Also called: Tumor predisposition; Neoplastic Syndromes, Hereditary; Hereditary neoplastic syndrome; Hereditary Cancer Syndrome. Identifiers: Orphanet 140162, MedGen C0027672, MeSH D009386, MONDO:0015356.

Submission:

Ambry Genetics
Classification: Uncertain significance for Hereditary cancer-predisposing syndrome. Last evaluated: 2024-06-28. Review status: criteria provided, single submitter. Criteria: Ambry Variant Classification Scheme 2023. Collection method: clinical testing. Allele origin: germline.
Comment: The p.F115I variant (also known as c.343T>A), located in coding exon 3 of the XRCC2 gene, results from a T to A substitution at nucleotide position 343. The phenylalanine at codon 115 is replaced by isoleucine, an amino acid with highly similar properties. This amino acid position is conserved. In addition, this alteration is predicted to be tolerated by in silico analysis. Based on the available evidence, the clinical significance of this variant remains unclear.

NM_005431.2(XRCC2):c.343T>A (p.Phe115Ile)

Gene: XRCC2 (X-ray repair cross complementing 2; minus strand). Cytogenetic location: 7q36.1.
Variant type: single nucleotide variant.
Coding change: c.343T>A on transcript NM_005431.2 (MANE Select); coding-DNA position 343, T replaced by A.
Protein change: p.Phe115Ile; replaces phenylalanine 115 with isoleucine.
Molecular consequence: missense variant.
Genome position (GRCh38, 1-based): chr7:152,649,142, A>T on the plus strand (T>A on the coding strand, the complement: XRCC2 is on the minus strand). VCF-style: chr7-152649142-A-T. GRCh37 (hg19) VCF-style: chr7-152346227-A-T.
Other names: short protein forms F115I.
Identifiers: ClinVar variation 3471453 (VCV003471453.1).